The following is an entry in ClinVar:

ClinVar aggregate classification (germline): Likely benign (0 of 4 stars; one submission).

Conditions:
TEX11-related disorder. Also called: TEX11-related condition.

Allele frequency attached by ClinVar (database versions not stated): gnomAD 0.00008; TOPMed 0.00008; ESP Exome Variant Server 0.00009; gnomAD exomes 0.00012; ExAC 0.00013.
gnomAD v4.1: 144 of 1,209,230 alleles (0.012%); highest among the groups gnomAD compares: South Asian, 0.048%; no homozygotes.

Submission:

PreventionGenetics, part of Exact Sciences
Classification: Likely benign for TEX11-related condition. Last evaluated: 2019-04-01. Review status: no assertion criteria provided. Collection method: clinical testing. Allele origin: germline.
Comment: This variant is classified as likely benign based on ACMG/AMP sequence variant interpretation guidelines (Richards et al. 2015 PMID: 25741868, with internal and published modifications).

NM_031276.3(TEX11):c.2445G>A (p.Ala815=)

Gene: TEX11 (testis expressed 11; minus strand). Cytogenetic location: Xq13.1.
Variant type: single nucleotide variant.
Coding change: c.2445G>A on transcript NM_031276.3 (MANE Select); coding-DNA position 2445, G replaced by A.
Protein change: p.Ala815=; no amino-acid change (alanine 815 retained).
Molecular consequence: synonymous variant.
Genome position (GRCh38, 1-based): chrX:70,552,201, C>T on the plus strand (G>A on the coding strand, the complement: TEX11 is on the minus strand). VCF-style: chrX-70552201-C-T. GRCh37 (hg19) VCF-style: chrX-69772051-C-T.
Other names: c.2490G>A, p.Ala830= (NM_001003811.2).
Identifiers: ClinVar variation 3047254 (VCV003047254.2), dbSNP rs376114732, ClinGen allele CA10442467.